The following is an entry in ClinVar:

NM_004006.3(DMD):c.4082G>A (p.Arg1361Lys)

Gene: DMD (dystrophin; minus strand). Cytogenetic location: Xp21.1.
Variant type: single nucleotide variant.
Coding change: c.4082G>A on transcript NM_004006.3 (MANE Select); coding-DNA position 4082, G replaced by A.
Protein change: p.Arg1361Lys; replaces arginine 1361 with lysine.
Molecular consequence: missense variant.
Genome position (GRCh38, 1-based): chrX:32,411,903, C>T on the plus strand (G>A on the coding strand, the complement: DMD is on the minus strand). VCF-style: chrX-32411903-C-T. GRCh37 (hg19) VCF-style: chrX-32430020-C-T.
Other names: c.4058G>A, p.Arg1353Lys (NM_000109.4); c.4070G>A, p.Arg1357Lys (NM_004009.3); c.3713G>A, p.Arg1238Lys (NM_004010.3); c.59G>A, p.Arg20Lys (NM_004011.4); c.50G>A, p.Arg17Lys (NM_004012.4); short protein forms R1238K, R1353K, R1357K, R1361K, R17K, R20K.
Identifiers: ClinVar variation 684820 (VCV000684820.8), dbSNP rs753639717, ClinGen allele CA10379041.
Genomic context (GRCh38, chrX:32,411,903, plus strand): 5'-AAGTGTAAGGATTTTTCAGTCTCCTGGGCAGACTGGATGCTCTGTTCAAGCAACTTTTGC[C>T]TCCTTACAGCCTAAAAAGAAGGAATAAGAGTGTATCAGTTAAATGTTTACTCTTGATAGC-3'
Protein context (NP_003997.2, residues 1351-1371): WRELHEEAVR[Arg1361Lys]QKLLEQSIQS

ClinVar aggregate classification (germline): Uncertain significance. Review status: criteria provided, multiple submitters, no conflicts (2 of 4 stars). 2 submissions from 2 submitters: Uncertain significance (2). Last evaluated 2026-01-13.

Conditions:
Primary familial dilated cardiomyopathy (FDC). Also called: Hypokinetic dilated cardiomyopathy, familial; Familial dilated cardiomyopathy. Identifiers: Orphanet 217607, MedGen C0340427, MONDO:0016333.
Duchenne muscular dystrophy (DMD). Also called: MUSCULAR DYSTROPHY, PSEUDOHYPERTROPHIC PROGRESSIVE, DUCHENNE TYPE; Duchenne Muscular Dystrophy (DMD). Identifiers: Orphanet 98896, MedGen C0013264, MONDO:0010679, OMIM 310200.

Submissions (2):

Labcorp Genetics (formerly Invitae), Labcorp
Classification: Uncertain significance for Duchenne muscular dystrophy. Last evaluated: 2026-01-13. Review status: criteria provided, single submitter. Criteria: Invitae Variant Classification Sherloc (09022015). Collection method: clinical testing. Allele origin: germline.
Comment: This sequence change replaces arginine, which is basic and polar, with lysine, which is basic and polar, at codon 1361 of the DMD protein (p.Arg1361Lys). This variant is present in population databases (rs753639717, gnomAD 0.001%). This variant has not been reported in the literature in individuals affected with DMD-related conditions. ClinVar contains an entry for this variant (Variation ID: 684820). Invitae Evidence Modeling of protein sequence and biophysical properties (such as structural, functional, and spatial information, amino acid conservation, physicochemical variation, residue mobility, and thermodynamic stability) indicates that this missense variant is not expected to disrupt DMD protein function with a negative predictive value of 95%. In summary, the available evidence is currently insufficient to determine the role of this variant in disease. Therefore, it has been classified as a Variant of Uncertain Significance.

Molecular Diagnostic Laboratory for Inherited Cardiovascular Disease, Montreal Heart Institute
Classification: Uncertain significance for Familial dilated cardiomyopathy. Review status: criteria provided, single submitter. Criteria: ACMG Guidelines, 2015. Collection method: clinical testing. Allele origin: germline. Affected: yes.